The following is an entry in ClinVar:

ClinVar aggregate classification (germline): Pathogenic. Review status: criteria provided, single submitter (1 of 4 stars). 2 submissions from 2 submitters: Pathogenic (1). 1 of the submissions does not count toward it. Last evaluated 2018-07-25.

Conditions:
Fetal akinesia, respiratory insufficiency, microcephaly, polymicrogyria, and dysmorphic facies. Identifiers: MedGen C5562015, MONDO:0859204, OMIM 619602.
Polymicrogyria. Identifiers: Orphanet 35981, MedGen C0266464, MONDO:0000087, HP:0002126.

Submissions (2):

Cytogénomique, Hospices Civils de Lyon
Classification: Pathogenic for Polymicrogyria. Last evaluated: 2018-07-25. Review status: criteria provided, single submitter. Criteria: ACMG Guidelines, 2015. Collection method: clinical testing. Allele origin: germline. Inheritance: Autosomal recessive inheritance. Affected: yes. Observed: 1 variant allele, 1 homozygote.
Comment: Homozygous truncating variation segregating in a family with two affected patients presenting important phenotypic overlap with mouse model.

OMIM
Classification: Pathogenic for FETAL AKINESIA, RESPIRATORY INSUFFICIENCY, MICROCEPHALY, POLYMICROGYRIA, AND DYSMORPHIC FACIES. Last evaluated: 2021-11-10. Review status: no assertion criteria provided. Collection method: literature only. Allele origin: germline. Not counted in ClinVar's aggregate classification.

Literature cited by the submitters: PubMed 31608932 (cited by OMIM).

NM_000702.4(ATP1A2):c.295_296dup (p.Ile100fs)

Gene: ATP1A2 (ATPase Na+/K+ transporting subunit alpha 2; plus strand). Cytogenetic location: 1q23.2.
Variant type: Microsatellite.
Coding change: c.295_296dup on transcript NM_000702.4 (MANE Select); coding-DNA positions 295 to 296, 2 bases duplicated (TC; older notation c.295_296dupTC).
Protein change: p.Ile100fs; shifts the reading frame from isoleucine 100.
Molecular consequence: frameshift variant.
Genome position (GRCh38, 1-based): chr1:160,123,330-160,123,331, TC duplicated; duplicating any 2 consecutive bases within chr1:160,123,328-160,123,331 gives the same sequence; the c. name uses the placement nearest the transcript's 3' end. VCF-style (leftmost placement, unchanged base first): chr1-160123327-T-TTC. GRCh37 (hg19) VCF-style: chr1-160093117-T-TTC.
Other names: 2-BP DUP, 295TC; short protein forms I100fs.
Identifiers: ClinVar variation 549760 (VCV000549760.5), dbSNP rs1558003446, ClinGen allele CA913189893.
Genomic context (GRCh38, chr1:160,123,327, plus strand): 5'-CTCACACCACCTCCCACAACCCCTGAGTGGGTCAAGTTCTGCCGTCAGCTTTTCGGGGGG[T>TTC]TCTCCATCCTGCTGTGGATTGGGGCTATCCTCTGCTTCCTGGCCTACGGCATCCAGGCTG-3'